The following is an entry in ClinVar:

NM_020166.5(MCCC1):c.873G>A (p.Ala291=)

Gene: MCCC1 (methylcrotonyl-CoA carboxylase subunit 1; minus strand). Cytogenetic location: 3q27.1.
Variant type: single nucleotide variant.
Coding change: c.873G>A on transcript NM_020166.5 (MANE Select); coding-DNA position 873, G replaced by A.
Protein change: p.Ala291=; no amino-acid change (alanine 291 retained).
Molecular consequence: synonymous variant. On other transcripts: non-coding transcript variant (2).
Genome position (GRCh38, 1-based): chr3:183,057,311, C>T on the plus strand (G>A on the coding strand, the complement: MCCC1 is on the minus strand). VCF-style: chr3-183057311-C-T. GRCh37 (hg19) VCF-style: chr3-182775099-C-T.
Other names: c.873G>A (NM_020166.3); c.522G>A, p.Ala174= (NM_001293273.2); c.546G>A, p.Ala182= (NM_001363880.1).
Identifiers: ClinVar variation 167271 (VCV000167271.12), dbSNP rs138794621, ClinGen allele CA234238.

ClinVar aggregate classification (germline): Uncertain significance. Review status: criteria provided, multiple submitters, no conflicts (2 of 4 stars). 5 submissions from 5 submitters: Uncertain significance (4). 1 of the submissions does not count toward it. Last evaluated 2025-05-08.

Conditions:
MCCC1-related disorder. Also called: MCCC1-related condition.
Inborn genetic diseases. Identifiers: MedGen C0950123, MeSH D030342.
Methylcrotonyl-CoA carboxylase deficiency. Also called: Deficiency of methylcrotonoyl-CoA carboxylase; 3-MCC Deficiency; 3 Methylcrotonylglycinuria. Identifiers: Orphanet 6, MedGen C4551505, MONDO:0018950.
3-methylcrotonyl-CoA carboxylase 1 deficiency (MCC1D). Also called: MCCD TYPE 1; METHYLCROTONYLGLYCINURIA TYPE I; MCC 1 deficiency; 3 Alpha methylcrotonylglycinuria 1. Identifiers: Orphanet 6, MedGen CN028786, MONDO:0008861, OMIM 210200.

Allele frequency attached by ClinVar (database versions not stated): gnomAD exomes 0.00003; gnomAD 0.00004 and 0.00005; TOPMed 0.00004; ESP Exome Variant Server 0.00008; ExAC 0.00009.
gnomAD v4.1: 45 of 1,597,604 alleles (0.0028%); highest among the groups gnomAD compares: Middle Eastern, 0.016%; 1 homozygote.

Submissions (5):

PreventionGenetics, part of Exact Sciences
Classification: Uncertain significance for MCCC1-related condition. Last evaluated: 2025-05-08. Review status: criteria provided, single submitter. Criteria: ACMG Guidelines, 2015. Collection method: clinical testing. Allele origin: germline.
Comment: The MCCC1 c.873G>A variant is not predicted to result in an amino acid change (p.=). This variant occurs at the last nucleotide of exon 8 and is predicted to alter splicing based on available splicing prediction programs (SpliceAI, Jaganathan et al. 2019. PubMed ID: 30661751). However, the use of computer prediction programs is not equivalent to functional evidence. This variant has been reported in the heterozygous state without a second variant in individuals with abnormal newborn screening results (Fonseca et al. 2016. PubMed ID: 27601257; Table S7, Navarrete et al. 2019. PubMed ID: 30626930). This variant is reported in 0.021% of alleles in individuals of African descent in gnomAD v2. However, in gnomAD v4 (available only on GRCh38), this variant is reported in 0.016% of alleles in individuals of Middle Eastern descent, and one homozygote was observed from all populations. At this time, the clinical significance of this variant is uncertain due to the absence of conclusive functional and genetic evidence.

Labcorp Genetics (formerly Invitae), Labcorp
Classification: Uncertain significance for 3-methylcrotonyl-CoA carboxylase 1 deficiency. Last evaluated: 2024-09-03. Review status: criteria provided, single submitter. Criteria: Invitae Variant Classification Sherloc (09022015). Collection method: clinical testing. Allele origin: germline.
Comment: This sequence change affects codon 291 of the MCCC1 mRNA. It is a 'silent' change, meaning that it does not change the encoded amino acid sequence of the MCCC1 protein. This variant also falls at the last nucleotide of exon 8, which is part of the consensus splice site for this exon. This variant is present in population databases (rs138794621, gnomAD 0.02%). This variant has been observed in individual(s) with MCCC1-related conditions (PMID: 30626930). ClinVar contains an entry for this variant (Variation ID: 167271). Variants that disrupt the consensus splice site are a relatively common cause of aberrant splicing (PMID: 17576681, 9536098). Algorithms developed to predict the effect of sequence changes on RNA splicing suggest that this variant may disrupt the consensus splice site. In summary, the available evidence is currently insufficient to determine the role of this variant in disease. Therefore, it has been classified as a Variant of Uncertain Significance.

Ambry Genetics
Classification: Uncertain significance for Inborn genetic diseases. Last evaluated: 2021-06-03. Review status: criteria provided, single submitter. Criteria: Ambry Variant Classification Scheme 2023. Collection method: clinical testing. Allele origin: germline.
Comment: The c.873G>A (p.A291A) alteration is located in exon 8 (coding exon 8) of the MCCC1 gene. This alteration consists of a G to A substitution at nucleotide position 873. This nucleotide substitution does not change the alanine at codon 291. However, this change occurs in the last base pair of coding exon 8, which makes it likely to have some effect on normal mRNA splicing. In silico splice site analysis predicts that this alteration may weaken the native splice donor site and will result in the creation or strengthening of a novel splice donor site. Based on insufficient or conflicting evidence, the clinical significance of this alteration remains unclear.

Eurofins Ntd Llc (ga)
Classification: Uncertain significance. Last evaluated: 2018-01-25. Review status: criteria provided, single submitter. Criteria: EGL Classification Definitions 2015. Collection method: clinical testing. Allele origin: germline. Observed: 2 variant alleles, 2 heterozygotes.

Natera, Inc.
Classification: Uncertain significance for 3-methylcrotonylglycinuria. Last evaluated: 2020-09-16. Review status: no assertion criteria provided. Collection method: clinical testing. Allele origin: germline. Not counted in ClinVar's aggregate classification.

Literature cited by the submitters: PubMed 30626930 (cited by Labcorp Genetics (formerly Invitae), Labcorp); PubMed 17576681 (cited by Labcorp Genetics (formerly Invitae), Labcorp); PubMed 9536098 (cited by Labcorp Genetics (formerly Invitae), Labcorp).